The following is an entry in ClinVar:

NM_004172.5(SLC1A3):c.1496G>A (p.Arg499Gln)

Genes: SLC1A3 (solute carrier family 1 member 3; plus strand), SLC1A3-AS1 (SLC1A3 antisense RNA 1; minus strand). Cytogenetic location: 5p13.2.
Variant type: single nucleotide variant.
Coding change: c.1496G>A on transcript NM_004172.5 (MANE Select); coding-DNA position 1496, G replaced by A.
Protein change: p.Arg499Gln; replaces arginine 499 with glutamine.
Molecular consequence: missense variant.
Genome position (GRCh38, 1-based): chr5:36,686,136, G>A. VCF-style: chr5-36686136-G-A. GRCh37 (hg19) VCF-style: chr5-36686238-G-A.
Other names: c.1361G>A, p.Arg454Gln (NM_001166695.3); c.1358G>A, p.Arg453Gln (NM_001289939.2); c.1160G>A, p.Arg387Gln (NM_001289940.2); short protein forms R454Q, R499Q, R453Q, R387Q.
Identifiers: ClinVar variation 242994 (VCV000242994.56), dbSNP rs138085358, ClinGen allele CA3235696.

ClinVar aggregate classification (germline): Conflicting classifications of pathogenicity. Review status: criteria provided, conflicting classifications (1 of 4 stars). 8 submissions from 8 submitters: Uncertain significance (5); Likely benign (2). 1 of the submissions does not count toward it. Last evaluated 2026-01-01.

Conditions:
Episodic ataxia type 6. Identifiers: Orphanet 209967, MedGen C2675211, MONDO:0012982, OMIM 612656.

Allele frequency attached by ClinVar (database versions not stated): gnomAD 0.00006 and 0.00007; gnomAD exomes 0.00008; TOPMed 0.00008; ExAC 0.00009; ESP Exome Variant Server 0.00031.
gnomAD v4.1: 199 of 1,614,124 alleles (0.012%); highest among the groups gnomAD compares: Non-Finnish European, 0.016%; no homozygotes.

Submissions (8):

CeGaT Center for Human Genetics Tuebingen
Classification: Likely benign. Last evaluated: 2026-01-01. Review status: criteria provided, single submitter. Criteria: CeGaT Center For Human Genetics Tuebingen Variant Classification Criteria Version 2. Collection method: clinical testing. Allele origin: germline. Affected: yes. Observed: 3 variant alleles.
Comment: SLC1A3: PS3:Supporting, BP5, BS1

Labcorp Genetics (formerly Invitae), Labcorp
Classification: Uncertain significance. Last evaluated: 2024-11-16. Review status: criteria provided, single submitter. Criteria: Invitae Variant Classification Sherloc (09022015). Collection method: clinical testing. Allele origin: germline.
Comment: This sequence change replaces arginine, which is basic and polar, with glutamine, which is neutral and polar, at codon 499 of the SLC1A3 protein (p.Arg499Gln). This variant is present in population databases (rs138085358, gnomAD 0.01%). This missense change has been observed in individual(s) with ataxia (PMID: 25497598). This variant is also known as Arg454Gln. ClinVar contains an entry for this variant (Variation ID: 242994). Invitae Evidence Modeling of protein sequence and biophysical properties (such as structural, functional, and spatial information, amino acid conservation, physicochemical variation, residue mobility, and thermodynamic stability) indicates that this missense variant is not expected to disrupt SLC1A3 protein function with a negative predictive value of 80%. Studies have shown that this missense change alters SLC1A3 gene expression (PMID: 32741053). In summary, the available evidence is currently insufficient to determine the role of this variant in disease. Therefore, it has been classified as a Variant of Uncertain Significance.

Athena Diagnostics
Classification: Likely benign. Last evaluated: 2024-03-07. Review status: criteria provided, single submitter. Criteria: Athena Diagnostics Criteria. Collection method: clinical testing. Allele origin: unknown.

Genome-Nilou Lab
Classification: Uncertain significance for Episodic ataxia type 6. Last evaluated: 2021-09-05. Review status: criteria provided, single submitter. Criteria: ACMG Guidelines, 2015. Collection method: clinical testing. Allele origin: germline. Affected: no.

Institute of Human Genetics, University of Leipzig Medical Center
Classification: Uncertain significance for Episodic ataxia type 6. Last evaluated: 2019-01-01. Review status: criteria provided, single submitter. Criteria: ACMG Guidelines, 2015. Collection method: clinical testing. Allele origin: unknown. Affected: yes.

Eurofins Ntd Llc (ga)
Classification: Uncertain significance. Last evaluated: 2017-05-01. Review status: criteria provided, single submitter. Criteria: EGL Classification Definitions 2015. Collection method: clinical testing. Allele origin: germline. Observed: 1 variant allele, 1 heterozygote.

Genetic Services Laboratory, University of Chicago
Classification: Uncertain significance. Last evaluated: 2017-04-14. Review status: criteria provided, single submitter. Criteria: ACMG Guidelines, 2015. Collection method: clinical testing. Allele origin: germline. Affected: no.

OMIM
Classification: Pathogenic for EPISODIC ATAXIA, TYPE 6. Last evaluated: 2018-04-02. Review status: no assertion criteria provided. Collection method: literature only. Allele origin: germline. Not counted in ClinVar's aggregate classification.

Literature cited by the submitters: PubMed 25497598 (cited by 3 submitters); PubMed 32741053 (cited by Labcorp Genetics (formerly Invitae), Labcorp and Athena Diagnostics); PubMed 27829685 (cited by Athena Diagnostics); PubMed 25842391 (cited by Athena Diagnostics).